The following is an entry in ClinVar:

ClinVar aggregate classification (germline): Uncertain significance. Review status: criteria provided, multiple submitters, no conflicts (2 of 4 stars). 4 submissions from 4 submitters: Uncertain significance (4). Last evaluated 2025-10-06.

Conditions:
Isolated focal cortical dysplasia type II (FCORD2). Also called: Focal cortical dysplasia type II; CORTICAL DYSPLASIA OF TAYLOR. Identifiers: Orphanet 268994, MedGen C1846385, MONDO:0011818, OMIM 607341, HP:0032051.
Lymphangiomyomatosis (LAM). Also called: Lymphangioleiomyomatosis, somatic; Lymphangioleiomyomatosis. Identifiers: Orphanet 538, MedGen C0751674, MONDO:0011705, OMIM 606690.
Tuberous sclerosis 2 (TSC2). Identifiers: Orphanet 805, MedGen C1860707, MONDO:0013199, OMIM 613254.
Hereditary cancer-predisposing syndrome. Also called: Hereditary neoplastic syndrome; Tumor predisposition; Neoplastic Syndromes, Hereditary; Hereditary Cancer Syndrome. Identifiers: Orphanet 140162, MedGen C0027672, MeSH D009386, MONDO:0015356.

gnomAD v4.1: 1 of 1,609,924 alleles (0.000062%); highest among the groups gnomAD compares: Admixed American, 0.0017%; no homozygotes.

Submissions (4):

Labcorp Genetics (formerly Invitae), Labcorp
Classification: Uncertain significance for Tuberous sclerosis 2. Last evaluated: 2025-10-06. Review status: criteria provided, single submitter. Criteria: Invitae Variant Classification Sherloc (09022015). Collection method: clinical testing. Allele origin: germline.
Comment: This sequence change replaces serine, which is neutral and polar, with cysteine, which is neutral and slightly polar, at codon 1096 of the TSC2 protein (p.Ser1096Cys). This variant is present in population databases (no rsID available, gnomAD 0.003%). This variant has not been reported in the literature in individuals affected with TSC2-related conditions. ClinVar contains an entry for this variant (Variation ID: 957650). An algorithm developed to predict the effect of missense changes on protein structure and function (PolyPhen-2) suggests that this variant is likely to be disruptive. In summary, the available evidence is currently insufficient to determine the role of this variant in disease. Therefore, it has been classified as a Variant of Uncertain Significance.

Quest Diagnostics Nichols Institute San Juan Capistrano
Classification: Uncertain significance. Last evaluated: 2025-07-23. Review status: criteria provided, single submitter. Criteria: Quest Diagnostics criteria. Collection method: clinical testing. Allele origin: unknown.

Ambry Genetics
Classification: Uncertain significance for Hereditary cancer-predisposing syndrome. Last evaluated: 2025-01-14. Review status: criteria provided, single submitter. Criteria: Ambry Variant Classification Scheme 2023. Collection method: clinical testing. Allele origin: germline.
Comment: The p.S1096C variant (also known as c.3287C>G), located in coding exon 28 of the TSC2 gene, results from a C to G substitution at nucleotide position 3287. The serine at codon 1096 is replaced by cysteine, an amino acid with dissimilar properties. This amino acid position is not well conserved in available vertebrate species. In addition, the in silico prediction for this alteration is inconclusive. Based on the available evidence, the clinical significance of this variant remains unclear.

Fulgent Genetics
Classification: Uncertain significance for Lymphangiomyomatosis; Isolated focal cortical dysplasia type II; Tuberous sclerosis 2. Last evaluated: 2023-12-22. Review status: criteria provided, single submitter. Criteria: ACMG Guidelines, 2015. Collection method: clinical testing. Allele origin: germline.

NM_000548.5(TSC2):c.3287C>G (p.Ser1096Cys)

Gene: TSC2 (TSC complex subunit 2; plus strand). Cytogenetic location: 16p13.3.
Variant type: single nucleotide variant.
Coding change: c.3287C>G on transcript NM_000548.5 (MANE Select); coding-DNA position 3287, C replaced by G.
Protein change: p.Ser1096Cys; replaces serine 1096 with cysteine.
Molecular consequence: missense variant.
Genome position (GRCh38, 1-based): chr16:2,079,559, C>G. VCF-style: chr16-2079559-C-G. GRCh37 (hg19) VCF-style: chr16-2129560-C-G.
Other names: c.3155C>G, p.Ser1052Cys (NM_001077183.3, NM_001370404.1); c.3287C>G, p.Ser1096Cys (NM_001114382.3); c.3047C>G, p.Ser1016Cys (NM_001318827.2); c.3011C>G, p.Ser1004Cys (NM_001318829.2); c.2555C>G, p.Ser852Cys (NM_001318831.2); c.3188C>G, p.Ser1063Cys (NM_001318832.2); c.3158C>G, p.Ser1053Cys (NM_001363528.2, NM_001370405.1, NM_021055.3); short protein forms S1004C, S1016C, S1063C, S1096C, S1052C, S1053C, S852C.
Identifiers: ClinVar variation 957650 (VCV000957650.13), dbSNP rs140772300, ClinGen allele CA394286436.